The following is an entry in ClinVar:

ClinVar aggregate classification (germline): Uncertain significance. Review status: criteria provided, multiple submitters, no conflicts (2 of 4 stars). 2 submissions from 2 submitters: Uncertain significance (2). Last evaluated 2023-08-14.

Conditions:
Hereditary cancer-predisposing syndrome. Also called: Hereditary neoplastic syndrome; Hereditary Cancer Syndrome; Tumor predisposition; Neoplastic Syndromes, Hereditary. Identifiers: Orphanet 140162, MedGen C0027672, MeSH D009386, MONDO:0015356.
Tumor predisposition syndrome 3 (TPDS3). Also called: Glioma susceptibility 9; LONG TELOMERE SYNDROME, POT1-RELATED; POT1 Tumor Predisposition; Melanoma, cutaneous malignant, susceptibility to, 10. Identifiers: Orphanet 618, MedGen C4014476, MONDO:0014368, OMIM 615848.

Submissions (2):

Labcorp Genetics (formerly Invitae), Labcorp
Classification: Uncertain significance for Tumor predisposition syndrome 3. Last evaluated: 2023-08-14. Review status: criteria provided, single submitter. Criteria: Invitae Variant Classification Sherloc (09022015). Collection method: clinical testing. Allele origin: germline.
Comment: In summary, the available evidence is currently insufficient to determine the role of this variant in disease. Therefore, it has been classified as a Variant of Uncertain Significance. This sequence change replaces tyrosine, which is neutral and polar, with histidine, which is basic and polar, at codon 223 of the POT1 protein (p.Tyr223His). Advanced modeling of protein sequence and biophysical properties (such as structural, functional, and spatial information, amino acid conservation, physicochemical variation, residue mobility, and thermodynamic stability) performed at Invitae indicates that this missense variant is not expected to disrupt POT1 protein function. ClinVar contains an entry for this variant (Variation ID: 2450561). This variant has not been reported in the literature in individuals affected with POT1-related conditions. This variant is not present in population databases (gnomAD no frequency).

Ambry Genetics
Classification: Uncertain significance for Hereditary cancer-predisposing syndrome. Last evaluated: 2023-02-20. Review status: criteria provided, single submitter. Criteria: Ambry Variant Classification Scheme 2023. Collection method: clinical testing. Allele origin: germline.
Comment: The p.Y223H variant (also known as c.667T>C), located in coding exon 5 of the POT1 gene, results from a T to C substitution at nucleotide position 667. The tyrosine at codon 223 is replaced by histidine, an amino acid with similar properties. This amino acid position is conserved. In addition, this alteration is predicted to be deleterious by in silico analysis. Since supporting evidence is limited at this time, the clinical significance of this alteration remains unclear.

NM_015450.3(POT1):c.667T>C (p.Tyr223His)

Gene: POT1 (protection of telomeres 1; minus strand). Cytogenetic location: 7q31.33.
Variant type: single nucleotide variant.
Coding change: c.667T>C on transcript NM_015450.3 (MANE Select); coding-DNA position 667, T replaced by C.
Protein change: p.Tyr223His; replaces tyrosine 223 with histidine.
Molecular consequence: missense variant. On other transcripts: non-coding transcript variant (3).
Genome position (GRCh38, 1-based): chr7:124,858,992, A>G on the plus strand (T>C on the coding strand, the complement: POT1 is on the minus strand). VCF-style: chr7-124858992-A-G. GRCh37 (hg19) VCF-style: chr7-124499046-A-G.
Other names: c.274T>C, p.Tyr92His (NM_001042594.2); short protein forms Y92H, Y223H.
Identifiers: ClinVar variation 2450561 (VCV002450561.5), dbSNP rs2116525451, ClinGen allele CA369056142.